The following is an entry in ClinVar:

NM_016222.4(DDX41):c.457C>G (p.Leu153Val)

Gene: DDX41 (DEAD-box helicase 41; minus strand). Cytogenetic location: 5q35.3.
Variant type: single nucleotide variant.
Coding change: c.457C>G on transcript NM_016222.4 (MANE Select); coding-DNA position 457, C replaced by G.
Protein change: p.Leu153Val; replaces leucine 153 with valine.
Molecular consequence: missense variant.
Genome position (GRCh38, 1-based): chr5:177,515,799, G>C on the plus strand (C>G on the coding strand, the complement: DDX41 is on the minus strand). VCF-style: chr5-177515799-G-C. GRCh37 (hg19) VCF-style: chr5-176942800-G-C.
Other names: c.79C>G, p.Leu27Val (NM_001321732.2, NM_001321830.2); short protein forms L153V, L27V.
Identifiers: ClinVar variation 4010273 (VCV004010273.1).

ClinVar aggregate classification (germline): Uncertain significance (1 of 4 stars; one submission).

Conditions:
Inborn genetic diseases. Identifiers: MedGen C0950123, MeSH D030342.

Submission:

Ambry Genetics
Classification: Uncertain significance for Inborn genetic diseases. Last evaluated: 2025-03-19. Review status: criteria provided, single submitter. Criteria: Ambry Variant Classification Scheme 2023. Collection method: clinical testing. Allele origin: germline.
Comment: The p.L153V variant (also known as c.457C>G), located in coding exon 6 of the DDX41 gene, results from a C to G substitution at nucleotide position 457. The leucine at codon 153 is replaced by valine, an amino acid with highly similar properties. This amino acid position is conserved. In addition, this alteration is predicted to be tolerated by in silico analysis. Based on the available evidence, the clinical significance of this variant remains unclear.